The following is an entry in ClinVar:

NM_006734.4(HIVEP2):c.137G>A (p.Arg46Gln)

Gene: HIVEP2 (HIVEP zinc finger 2; minus strand). Cytogenetic location: 6q24.2.
Variant type: single nucleotide variant.
Coding change: c.137G>A on transcript NM_006734.4 (MANE Select); coding-DNA position 137, G replaced by A.
Protein change: p.Arg46Gln; replaces arginine 46 with glutamine.
Molecular consequence: missense variant.
Genome position (GRCh38, 1-based): chr6:142,774,602, C>T on the plus strand (G>A on the coding strand, the complement: HIVEP2 is on the minus strand). VCF-style: chr6-142774602-C-T. GRCh37 (hg19) VCF-style: chr6-143095739-C-T.
Other names: c.137G>A (NM_006734.3); short protein forms R46Q.
Identifiers: ClinVar variation 2190272 (VCV002190272.7), dbSNP rs17072013, ClinGen allele CA4028794.

ClinVar aggregate classification (germline): Likely benign. Review status: criteria provided, multiple submitters, no conflicts (2 of 4 stars). 3 submissions from 3 submitters: Likely benign (2). 1 of the submissions does not count toward it. Last evaluated 2025-12-11.

Conditions:
HIVEP2-related disorder. Also called: HIVEP2-related condition.
Inborn genetic diseases. Identifiers: MedGen C0950123, MeSH D030342.

Allele frequency attached by ClinVar (database versions not stated): gnomAD exomes 0.00005; ExAC 0.00012; 1000 Genomes Project 0.00020; ESP Exome Variant Server 0.00024; gnomAD 0.00030; 1000 Genomes Project 30x 0.00031; TOPMed 0.00032.
gnomAD v4.1: 114 of 1,614,158 alleles (0.0071%); highest among the groups gnomAD compares: African/African-American, 0.11%; no homozygotes.

Submissions (3):

Labcorp Genetics (formerly Invitae), Labcorp
Classification: Likely benign. Last evaluated: 2025-12-11. Review status: criteria provided, single submitter. Criteria: Invitae Variant Classification Sherloc (09022015). Collection method: clinical testing. Allele origin: germline.

Ambry Genetics
Classification: Likely benign for Inborn genetic diseases. Last evaluated: 2024-10-21. Review status: criteria provided, single submitter. Criteria: Ambry Variant Classification Scheme 2023. Collection method: clinical testing. Allele origin: germline.

PreventionGenetics, part of Exact Sciences
Classification: Likely benign for HIVEP2-related condition. Last evaluated: 2023-12-05. Review status: no assertion criteria provided. Collection method: clinical testing. Allele origin: germline. Not counted in ClinVar's aggregate classification.
Comment: This variant is classified as likely benign based on ACMG/AMP sequence variant interpretation guidelines (Richards et al. 2015 PMID: 25741868, with internal and published modifications).